The following is an entry in ClinVar:

ClinVar aggregate classification (germline): Uncertain significance (1 of 4 stars; one submission).

Allele frequency attached by ClinVar (database versions not stated): gnomAD 0.00001; gnomAD exomes 0.00001; TOPMed 0.00002; 1000 Genomes Project 30x 0.00016; 1000 Genomes Project 0.00020.
gnomAD v4.1: 6 of 1,614,148 alleles (0.00037%); highest among the groups gnomAD compares: East Asian, 0.013%; no homozygotes.

Submission:

Labcorp Genetics (formerly Invitae), Labcorp
Classification: Uncertain significance. Last evaluated: 2023-02-22. Review status: criteria provided, single submitter. Criteria: Invitae Variant Classification Sherloc (09022015). Collection method: clinical testing. Allele origin: germline.
Comment: Advanced modeling of protein sequence and biophysical properties (such as structural, functional, and spatial information, amino acid conservation, physicochemical variation, residue mobility, and thermodynamic stability) performed at Invitae indicates that this missense variant is not expected to disrupt ERBB2 protein function. This sequence change replaces serine, which is neutral and polar, with glycine, which is neutral and non-polar, at codon 423 of the ERBB2 protein (p.Ser423Gly). This variant is not present in population databases (gnomAD no frequency). This variant has not been reported in the literature in individuals affected with ERBB2-related conditions. ClinVar contains an entry for this variant (Variation ID: 1398791). In summary, the available evidence is currently insufficient to determine the role of this variant in disease. Therefore, it has been classified as a Variant of Uncertain Significance.

NM_004448.4(ERBB2):c.1267A>G (p.Ser423Gly)

Gene: ERBB2 (erb-b2 receptor tyrosine kinase 2; plus strand). Cytogenetic location: 17q12.
Variant type: single nucleotide variant.
Coding change: c.1267A>G on transcript NM_004448.4 (MANE Select); coding-DNA position 1267, A replaced by G.
Protein change: p.Ser423Gly; replaces serine 423 with glycine.
Molecular consequence: missense variant. On other transcripts: non-coding transcript variant (1), intron variant (1).
Genome position (GRCh38, 1-based): chr17:39,715,490, A>G. VCF-style: chr17-39715490-A-G. GRCh37 (hg19) VCF-style: chr17-37871743-A-G.
Other names: c.1177A>G, p.Ser393Gly (NM_001005862.3, NM_001289938.2, NM_001382782.1 and 1 more transcripts); c.1222A>G, p.Ser408Gly (NM_001289936.2); c.1267A>G, p.Ser423Gly (NM_001289937.2, NM_001382785.1, NM_001382788.1 and 13 more transcripts); c.1384A>G, p.Ser462Gly (NM_001382784.1, NM_001382786.1); c.1342A>G, p.Ser448Gly (NM_001382787.1); c.1258A>G, p.Ser420Gly (NM_001382791.1); c.1087A>G, p.Ser363Gly (NM_001382799.1); c.1009A>G, p.Ser337Gly (NM_001382802.1); and 2 more; short protein forms S393G, S147G, S337G, S423G, S420G, S448G, S462G, S363G.
Identifiers: ClinVar variation 1398791 (VCV001398791.8), dbSNP rs199668084, ClinGen allele CA290430485.